The following is an entry in ClinVar:

ClinVar aggregate classification (germline): Pathogenic (1 of 4 stars; one submission).

Conditions:
Progressive sclerosing poliodystrophy (MTDPS4A). Also called: ALPERS PROGRESSIVE INFANTILE POLIODYSTROPHY; NEURONAL DEGENERATION OF CHILDHOOD WITH LIVER DISEASE, PROGRESSIVE; Mitochondrial DNA Depletion Syndrome 4A; Alpers-Huttenlocher Syndrome (AHS); Alpers Syndrome; ALPERS DIFFUSE DEGENERATION OF CEREBRAL GRAY MATTER WITH HEPATIC CIRRHOSIS. Identifiers: Orphanet 726, MedGen C0205710, MONDO:0008758, OMIM 203700.

Submission:

Labcorp Genetics (formerly Invitae), Labcorp
Classification: Pathogenic for Progressive sclerosing poliodystrophy. Last evaluated: 2023-06-23. Review status: criteria provided, single submitter. Criteria: Invitae Variant Classification Sherloc (09022015). Collection method: clinical testing. Allele origin: unknown.
Comment: This variant is a gross deletion of the genomic region encompassing exon(s) 12-20 of the POLG gene. This variant would be expected to be in-frame, preserving the integrity of the reading frame. This variant has not been reported in the literature in individuals affected with POLG-related conditions. This variant disrupts a region of the POLG protein in which other variant(s) (p.Pro1073Leu) have been determined to be pathogenic (PMID: 20142534, 20883824, 21880868, 25914719). This suggests that this is a clinically significant region of the protein, and that variants that disrupt it are likely to be disease-causing. For these reasons, this variant has been classified as Pathogenic.

Literature cited by the submitters: PubMed 20142534; PubMed 20883824; PubMed 21880868; PubMed 25914719.

NC_000015.9:g.(?_89862142)_(89867152_?)del

Gene: POLG (DNA polymerase gamma, catalytic subunit; minus strand). Cytogenetic location: 15q26.1.
Variant type: Deletion.
Identifiers: ClinVar variation 3243752 (VCV003243752.1).